The following is an entry in ClinVar:

NM_024675.4(PALB2):c.3326G>A (p.Cys1109Tyr)

Gene: PALB2 (partner and localizer of BRCA2; minus strand). Cytogenetic location: 16p12.2.
Variant type: single nucleotide variant.
Coding change: c.3326G>A on transcript NM_024675.4 (MANE Select); coding-DNA position 3326, G replaced by A.
Protein change: p.Cys1109Tyr; replaces cysteine 1109 with tyrosine.
Molecular consequence: missense variant.
Genome position (GRCh38, 1-based): chr16:23,607,888, C>T on the plus strand (G>A on the coding strand, the complement: PALB2 is on the minus strand). VCF-style: chr16-23607888-C-T. GRCh37 (hg19) VCF-style: chr16-23619209-C-T.
Other names: short protein forms C1109Y.
Identifiers: ClinVar variation 823610 (VCV000823610.15), dbSNP rs1597066628, ClinGen allele CA395139361.
Genomic context (GRCh38, chr16:23,607,888, plus strand): 5'-TGTCCCACCCATAGAGTAGCAGTTATGCACACTTGCCTGCCAGCCTGCCCTGGAGGAAGA[C>T]AGTACAGCATCACACCCACGCTGAGAGTCGTCTTAGGGTTAATCACAATGAGCTGAAACA-3'
Protein context (NP_078951.2, residues 1099-1119): TTLSVGVMLY[Cys1109Tyr]LPPGQAGRFL

ClinVar aggregate classification (germline): Uncertain significance. Review status: criteria provided, multiple submitters, no conflicts (2 of 4 stars). 2 submissions from 2 submitters: Uncertain significance (2). Last evaluated 2025-02-19.

Conditions:
Hereditary cancer-predisposing syndrome. Also called: Neoplastic Syndromes, Hereditary; Tumor predisposition; Hereditary neoplastic syndrome; Hereditary Cancer Syndrome. Identifiers: Orphanet 140162, MedGen C0027672, MeSH D009386, MONDO:0015356.
Familial cancer of breast. Also called: BREAST CANCER, FAMILIAL; Hereditary breast cancer; hereditary breast carcinoma. Identifiers: Orphanet 227535, MedGen C0346153, MONDO:0016419, OMIM 114480. Disease mechanism: loss of function.

Submissions (2):

Labcorp Genetics (formerly Invitae), Labcorp
Classification: Uncertain significance for Familial cancer of breast. Last evaluated: 2025-02-19. Review status: criteria provided, single submitter. Criteria: Invitae Variant Classification Sherloc (09022015). Collection method: clinical testing. Allele origin: germline.
Comment: This sequence change replaces cysteine, which is neutral and slightly polar, with tyrosine, which is neutral and polar, at codon 1109 of the PALB2 protein (p.Cys1109Tyr). This variant is not present in population databases (gnomAD no frequency). This variant has not been reported in the literature in individuals affected with PALB2-related conditions. ClinVar contains an entry for this variant (Variation ID: 823610). An algorithm developed to predict the effect of missense changes on protein structure and function (PolyPhen-2) suggests that this variant is likely to be disruptive. In summary, the available evidence is currently insufficient to determine the role of this variant in disease. Therefore, it has been classified as a Variant of Uncertain Significance.

Ambry Genetics
Classification: Uncertain significance for Hereditary cancer-predisposing syndrome. Last evaluated: 2018-10-29. Review status: criteria provided, single submitter. Criteria: Ambry Variant Classification Scheme 2023. Collection method: clinical testing. Allele origin: germline.
Comment: The p.C1109Y variant (also known as c.3326G>A), located in coding exon 12 of the PALB2 gene, results from a G to A substitution at nucleotide position 3326. The cysteine at codon 1109 is replaced by tyrosine, an amino acid with highly dissimilar properties. This amino acid position is well conserved in available vertebrate species. In addition, this alteration is predicted to be tolerated by in silico analysis. Since supporting evidence is limited at this time, the clinical significance of this alteration remains unclear.